The following is an entry in ClinVar:

ClinVar aggregate classification (germline): Conflicting classifications of pathogenicity. Review status: criteria provided, conflicting classifications (1 of 4 stars). 5 submissions from 5 submitters: Likely pathogenic (2); Uncertain significance (3). Last evaluated 2025-01-31.

Conditions:
Pontocerebellar hypoplasia type 6 (PCH6). Identifiers: Orphanet 166073, MedGen C1969084, MONDO:0012683, OMIM 611523.

Allele frequency attached by ClinVar (database versions not stated): gnomAD 0.00002 and 0.00003; gnomAD exomes 0.00002 and 0.00004; ExAC 0.00003; TOPMed 0.00003.

Submissions (5):

Labcorp Genetics (formerly Invitae), Labcorp
Classification: Likely pathogenic. Last evaluated: 2025-01-31. Review status: criteria provided, single submitter. Criteria: Invitae Variant Classification Sherloc (09022015). Collection method: clinical testing. Allele origin: germline.
Comment: This sequence change replaces arginine, which is basic and polar, with cysteine, which is neutral and slightly polar, at codon 469 of the RARS2 protein (p.Arg469Cys). This variant is present in population databases (rs767150990, gnomAD 0.003%). This variant has not been reported in the literature in individuals affected with RARS2-related conditions. ClinVar contains an entry for this variant (Variation ID: 548557). Invitae Evidence Modeling of protein sequence and biophysical properties (such as structural, functional, and spatial information, amino acid conservation, physicochemical variation, residue mobility, and thermodynamic stability) indicates that this missense variant is expected to disrupt RARS2 protein function with a positive predictive value of 95%. This variant disrupts the p.Arg469 amino acid residue in RARS2. Other variant(s) that disrupt this residue have been determined to be pathogenic (PMID: 22569581). This suggests that this residue is clinically significant, and that variants that disrupt this residue are likely to be disease-causing. In summary, the currently available evidence indicates that the variant is pathogenic, but additional data are needed to prove that conclusively. Therefore, this variant has been classified as Likely Pathogenic.

GeneDx
Classification: Likely pathogenic. Last evaluated: 2023-09-06. Review status: criteria provided, single submitter. Criteria: GeneDx Variant Classification Process June 2021. Collection method: clinical testing. Allele origin: germline. Affected: yes.
Comment: Not observed at significant frequency in large population cohorts (gnomAD); In silico analysis supports that this missense variant has a deleterious effect on protein structure/function; Has not been previously published as pathogenic or benign to our knowledge; This variant is associated with the following publications: (PMID: 22569581)

Women's Health and Genetics/Laboratory Corporation of America, LabCorp
Classification: Uncertain significance. Last evaluated: 2023-07-17. Review status: criteria provided, single submitter. Criteria: LabCorp Variant Classification Summary - May 2015. Collection method: clinical testing. Allele origin: germline.
Comment: Variant summary: RARS2 c.1405C>T (p.Arg469Cys) results in a non-conservative amino acid change located in the DALR anticodon binding (IPR008909) of the encoded protein sequence. Five of five in-silico tools predict a damaging effect of the variant on protein function. The variant allele was found at a frequency of 1.6e-05 in 249858 control chromosomes (gnomAD). The available data on variant occurrences in the general population are insufficient to allow any conclusion about variant significance. To our knowledge, no occurrence of c.1405C>T in individuals affected with Pontocerebellar Hypoplasia, Type 6 and no experimental evidence demonstrating its impact on protein function have been reported. Three submitters have cited clinical-significance assessments for this variant to ClinVar after 2014 and classified the variant as VUS (n=2) and likely pathogenic (n=1). Based on the evidence outlined above, the variant was classified as uncertain significance.

Knight Diagnostic Laboratories, Oregon Health and Sciences University
Classification: Uncertain significance for Pontocerebellar hypoplasia, type 6. Last evaluated: 2019-02-22. Review status: criteria provided, single submitter. Criteria: ACMG Guidelines, 2015. Collection method: clinical testing. Allele origin: germline. Observed: 1 variant allele.

Genomic Research Center, Shahid Beheshti University of Medical Sciences
Classification: Uncertain significance for Pontocerebellar hypoplasia type 6. Last evaluated: 2018-03-05. Review status: criteria provided, single submitter. Criteria: ACMG Guidelines, 2015. Collection method: clinical testing. Allele origin: inherited. Affected: no. Observed: 1 variant allele.

Literature cited by the submitters: PubMed 22569581 (cited by Labcorp Genetics (formerly Invitae), Labcorp).

NM_020320.5(RARS2):c.1405C>T (p.Arg469Cys)

Gene: RARS2 (arginyl-tRNA synthetase 2, mitochondrial; minus strand). Cytogenetic location: 6q15.
Variant type: single nucleotide variant.
Coding change: c.1405C>T on transcript NM_020320.5 (MANE Select); coding-DNA position 1405, C replaced by T.
Protein change: p.Arg469Cys; replaces arginine 469 with cysteine.
Molecular consequence: missense variant. On other transcripts: non-coding transcript variant (23).
Genome position (GRCh38, 1-based): chr6:87,518,640, G>A on the plus strand (C>T on the coding strand, the complement: RARS2 is on the minus strand). VCF-style: chr6-87518640-G-A. GRCh37 (hg19) VCF-style: chr6-88228358-G-A.
Other names: c.1405C>T (NM_020320.4, NM_020320.3); c.880C>T, p.Arg294Cys (NM_001318785.2, NM_001350506.2, NM_001350507.2 and 4 more transcripts); c.1405C>T, p.Arg469Cys (NM_001350505.2); short protein forms R294C, R469C.
Identifiers: ClinVar variation 548557 (VCV000548557.13), dbSNP rs767150990, ClinGen allele CA3916298.